The following is an entry in ClinVar:

ClinVar aggregate classification (germline): Uncertain significance (1 of 4 stars; one submission).

Conditions:
Familial cold autoinflammatory syndrome 3 (FCAS3). Also called: FAMILIAL ATYPICAL COLD URTICARIA; ANTIBODY DEFICIENCY AND IMMUNE DYSREGULATION, PLCG2-ASSOCIATED. Identifiers: Orphanet 300359, MedGen C3280914, MONDO:0013766, OMIM 614468.

gnomAD v4.1: 14 of 1,613,888 alleles (0.00087%); highest among the groups gnomAD compares: Admixed American, 0.0033%; no homozygotes.

Submission:

Labcorp Genetics (formerly Invitae), Labcorp
Classification: Uncertain significance for Familial cold autoinflammatory syndrome 3. Last evaluated: 2025-10-24. Review status: criteria provided, single submitter. Criteria: Invitae Variant Classification Sherloc (09022015). Collection method: clinical testing. Allele origin: germline.
Comment: This sequence change falls in intron 13 of the PLCG2 gene. It does not directly change the encoded amino acid sequence of the PLCG2 protein. It affects a nucleotide within the consensus splice site. This variant is present in population databases (rs762995257, gnomAD 0.006%). This variant has not been reported in the literature in individuals affected with PLCG2-related conditions. Variants that disrupt the consensus splice site are a relatively common cause of aberrant splicing (PMID: 17576681, 9536098). Algorithms developed to predict the effect of sequence changes on RNA splicing suggest that this variant is not likely to affect RNA splicing. In summary, the available evidence is currently insufficient to determine the role of this variant in disease. Therefore, it has been classified as a Variant of Uncertain Significance.

Literature cited by the submitters: PubMed 17576681; PubMed 9536098.

NM_002661.5(PLCG2):c.1193+6T>C

Gene: PLCG2 (phospholipase C gamma 2; plus strand). Cytogenetic location: 16q23.3.
Variant type: single nucleotide variant.
Coding change: c.1193+6T>C on transcript NM_002661.5 (MANE Select); 6 bases into the intron after coding-DNA position 1193, T replaced by C.
Molecular consequence: intron variant.
Genome position (GRCh38, 1-based): chr16:81,895,933, T>C. VCF-style: chr16-81895933-T-C. GRCh37 (hg19) VCF-style: chr16-81929538-T-C.
Other names: c.1193+6T>C (NM_001425751.1, NM_001425749.1, NM_001425750.1).
Identifiers: ClinVar variation 4775478 (VCV004775478.1).